The following is an entry in ClinVar:

NM_001035.3(RYR2):c.10568C>G (p.Ala3523Gly)

Gene: RYR2 (ryanodine receptor 2; plus strand). Cytogenetic location: 1q43.
Variant type: single nucleotide variant.
Coding change: c.10568C>G on transcript NM_001035.3 (MANE Select); coding-DNA position 10568, C replaced by G.
Protein change: p.Ala3523Gly; replaces alanine 3523 with glycine.
Molecular consequence: missense variant.
Genome position (GRCh38, 1-based): chr1:237,723,141, C>G. VCF-style: chr1-237723141-C-G. GRCh37 (hg19) VCF-style: chr1-237886441-C-G.
Other names: short protein forms A3523G.
Identifiers: ClinVar variation 3074608 (VCV003074608.1), dbSNP rs2547478823, ClinGen allele CA345415954.

ClinVar aggregate classification (germline): Uncertain significance (1 of 4 stars; one submission).

Conditions:
Catecholaminergic polymorphic ventricular tachycardia (CVPT). Also called: Catecholamine-induced polymorphic ventricular tachycardia. Identifiers: Orphanet 3286, MedGen C5574922, MONDO:0017990.

Submission:

All of Us Research Program, National Institutes of Health
Classification: Uncertain significance for Catecholaminergic polymorphic ventricular tachycardia. Last evaluated: 2023-11-20. Review status: criteria provided, single submitter. Criteria: ACMG Guidelines, 2015. Collection method: clinical testing. Allele origin: germline. Inheritance: Autosomal dominant inheritance. Observed: 1 variant allele, 1 heterozygote.
Comment: This missense variant replaces alanine with glycine at codon 3523 of the RYR2 protein. Computational prediction is inconclusive regarding the impact of this variant on protein structure and function (internally defined REVEL score threshold 0.5 < inconclusive < 0.7, PMID: 27666373). To our knowledge, functional studies have not been reported for this variant. This variant has not been reported in individuals affected with RYR2-related disorders in the literature. This variant has not been identified in the general population by the Genome Aggregation Database (gnomAD). The available evidence is insufficient to determine the role of this variant in disease conclusively. Therefore, this variant is classified as a Variant of Uncertain Significance.

This study involves interpretation of variants in research participants for the purpose of population health screening. Participant phenotype was not available at the time of variant classification. Additional details can be found in publication PMID: 35346344, PMCID: PMC8962531